The following is an entry in ClinVar:

ClinVar aggregate classification (germline): Conflicting classifications of pathogenicity. Review status: criteria provided, conflicting classifications (1 of 4 stars). 21 submissions from 21 submitters: Uncertain significance (3); Benign (6); Likely benign (7). 5 of the submissions do not count toward it. Last evaluated 2026-08-01.

Conditions:
CFTR-related disorder (CFTR-RD). Also called: CFTR-related condition; CFTR-related disorders. Identifiers: MedGen C5924204, MONDO:7770004.
Hereditary pancreatitis (PCTT). Also called: Hereditary chronic pancreatitis; PRSS1-Related Hereditary Pancreatitis. Identifiers: Orphanet 676, MedGen C0238339, MONDO:0008185, OMIM 167800.
Cystic fibrosis (CF). Also called: MUCOVISCIDOSIS. Identifiers: Orphanet 586, MedGen C0010674, MONDO:0009061, OMIM 219700. Disease mechanism: loss of function.

Allele frequency attached by ClinVar (database versions not stated): 1000 Genomes Project 30x 0.00062; 1000 Genomes Project 0.00080; ESP Exome Variant Server 0.00169; gnomAD 0.00171 and 0.00172; TOPMed 0.00172; gnomAD exomes 0.00182 and 0.00195; ExAC 0.00195.
gnomAD v4.1: 3,074 of 1,612,184 alleles (0.19%); highest among the groups gnomAD compares: Non-Finnish European, 0.21%; 6 homozygotes.

Submissions 1 to 18 of 21:

CeGaT Center for Human Genetics Tuebingen
Classification: Likely benign. Last evaluated: 2026-08-01. Review status: criteria provided, single submitter. Criteria: CeGaT Center For Human Genetics Tuebingen Variant Classification Criteria Version 2. Collection method: clinical testing. Allele origin: germline. Affected: yes. Observed: 5 variant alleles.
Comment: CFTR: BP4, BS2

Labcorp Genetics (formerly Invitae), Labcorp
Classification: Benign for Cystic fibrosis. Last evaluated: 2026-02-04. Review status: criteria provided, single submitter. Criteria: Invitae Variant Classification Sherloc (09022015). Collection method: clinical testing. Allele origin: germline.

Mayo Clinic Laboratories, Mayo Clinic
Classification: Likely benign. Last evaluated: 2025-10-21. Review status: criteria provided, single submitter. Criteria: ACMG Guidelines, 2015. Collection method: clinical testing. Allele origin: germline. Observed: 22 variant alleles.

ARUP Laboratories, Molecular Genetics and Genomics, ARUP Laboratories
Classification: Uncertain significance. Last evaluated: 2025-07-15. Review status: criteria provided, single submitter. Criteria: ARUP Molecular Germline Variant Investigation Process 2024. Collection method: clinical testing. Allele origin: germline.
Comment: The CFTR c.2260G>A; p.Val754Met variant (rs150157202, ClinVar Variation ID: 53465) has been reported in patients diagnosed with cystic fibrosis (Loumi 2008, Orozco 2000) but was found to be in-cis with truncating variants (Lucarelli 2015, Niel 2006). The variant has also been found in individuals without clinical symptoms of cystic fibrosis, in-trans with other pathogenic variants (Krenkova 2013, Niel 2006, Sosnay 2013), and thus is considered non-CF causing (CFTR2 database). Functional characterization of the variant protein also indicates no defects in protein maturation or chloride transport activity (Sosnay 2013). However, the variant has been reported in multiple individuals with chronic pancreatitis (Niel 2006, Keiles 2006) and oligospermy (Gallati 2009), and thus its role in CFTR-related disorders is uncertain. This variant is found in the general population at a frequency of 0.18% (509/280,228 alleles, including 2 homozygotes) in the Genome Aggregation Database (v2.1.1). Computational analyses are uncertain whether this variant is neutral or deleterious (REVEL: 0.518). Although the p.Val754Met variant is not associated with classic cystic fibrosis, its clinical significance for CFTR-related disorders is uncertain. References: CFTR2 database: Gallati S et al. Cystic fibrosis transmembrane conductance regulator mutations in azoospermic and oligospermic men and their partners. Reprod Biomed Online. 2009 Nov;19(5):685-94. PMID: 20021716. Keiles S et al. Identification of CFTR, PRSS1, and SPINK1 mutations in 381 patients with pancreatitis. Pancreas. 2006 Oct;33(3):221-7. PMID: 17003641. Krenkova P et al. Distribution of CFTR mutations in the Czech population: positive impact of integrated clinical and laboratory expertise, detection of novel/de novo alleles and relevance for related/derived populations. J Cyst Fibros. 2013 Sep;12(5):532-7. PMID: 23276700. Loumi O et al. CFTR mutations in the Algerian population. J Cyst Fibros. 2008 Jan;7(1):54-9. PMID: 17572159. Lucarelli M et al. A Genotypic-Oriented View of CFTR Genetics Highlights Specific Mutational Patterns Underlying Clinical Macrocategories of Cystic Fibrosis. Mol Med. 2015 Apr 21;21:257-75. PMID: 25910067. Niel F et al. A new large CFTR rearrangement illustrates the importance of searching for complex alleles. Hum Mutat. 2006 Jul;27(7):716-7. PMID: 16786510. Orozco L et al. Spectrum of CFTR mutations in Mexican cystic fibrosis patients: identification of five novel mutations (W1098C, 846delT, P750L, 4160insGGGG and 297-1G-->A). Hum Genet. 2000 Mar;106(3):360-5. PMID: 10798368. Sosnay PR et al. Defining the disease liability of variants in the cystic fibrosis transmembrane conductance regulator gene. Nat Genet. 2013 Oct;45(10):1160-7. PMID: 23974870.

Quest Diagnostics Nichols Institute San Juan Capistrano
Classification: Likely benign. Last evaluated: 2025-02-24. Review status: criteria provided, single submitter. Criteria: Quest Diagnostics criteria. Collection method: clinical testing. Allele origin: unknown.

Blueprint Genetics
Classification: Likely benign. Last evaluated: 2024-11-23. Review status: criteria provided, single submitter. Criteria: ACMG Guidelines, 2015. Collection method: clinical testing. Allele origin: germline.

Clinical Genetics Laboratory, Skane University Hospital Lund
Classification: Benign. Last evaluated: 2024-03-13. Review status: criteria provided, single submitter. Criteria: ACMG Guidelines, 2015. Collection method: clinical testing. Allele origin: germline. Affected: yes.

Mendelics
Classification: Benign for Cystic fibrosis. Last evaluated: 2023-08-22. Review status: criteria provided, single submitter. Criteria: Mendelics Assertion Criteria 2019. Collection method: clinical testing. Allele origin: germline.

Sema4
Classification: Likely benign for Hereditary pancreatitis. Last evaluated: 2020-10-12. Review status: criteria provided, single submitter. Criteria: Sema4 Curation Guidelines. Collection method: curation. Allele origin: germline.

Johns Hopkins Genomics, Johns Hopkins University
Classification: Benign for Cystic fibrosis. Last evaluated: 2019-08-09. Review status: criteria provided, single submitter. Criteria: ACMG Guidelines, 2015. Collection method: clinical testing. Allele origin: germline.

Ambry Genetics
Classification: Likely benign for Cystic fibrosis. Last evaluated: 2018-06-04. Review status: criteria provided, single submitter. Criteria: Ambry Variant Classification Scheme 2023. Collection method: clinical testing. Allele origin: germline.

CFTR-France
Classification: Benign for cystic fibrosis. Last evaluated: 2018-03-26. Review status: criteria provided, single submitter. Criteria: Claustres M et al. (Hum Mutat 2017). Collection method: curation. Allele origin: germline. Affected: yes and no.
Comment: the variant does not result in CFTR-RD neither

Eurofins Ntd Llc (ga)
Classification: Uncertain significance. Last evaluated: 2018-03-22. Review status: criteria provided, single submitter. Criteria: EGL ClinVar v180209 classification definitions. Collection method: clinical testing. Allele origin: germline. Observed: 9 variant alleles, 9 heterozygotes.

Illumina Laboratory Services, Illumina
Classification: Uncertain significance for CFTR-Related Disorders. Last evaluated: 2017-04-27. Review status: criteria provided, single submitter. Criteria: ICSL Variant Classification Criteria 13 December 2019. Collection method: clinical testing. Allele origin: germline.
Comment: This variant was observed as part of a predisposition screen in an ostensibly healthy population. A literature search was performed for the gene, cDNA change, and amino acid change (where applicable). Publications were found based on this search. However, the evidence from the literature, in combination with allele frequency data from public databases where available, was not sufficient to rule this variant in or out of causing disease. Therefore, this variant is classified as a variant of unknown significance.

Women's Health and Genetics/Laboratory Corporation of America, LabCorp
Classification: Benign. Last evaluated: 2016-06-16. Review status: criteria provided, single submitter. Criteria: LabCorp Variant Classification Summary - May 2015. Collection method: clinical testing. Allele origin: germline.
Comment: Variant Summary: The c.2260G>A (p.Val754Met) in CFTR gene is a missense change that involves a non- conserved nucleotide and 4/5 in silico tools predict benign outcome. The variant was found in the large and broad cohorts of ExAC project at an allele frequency of 0.0019 (233/117214 chrs tested, including 1 homozygous occurrence). This frequency does not exceed the maximal expected allele frequency of a disease causing CFTR allele (0.013). Several CF patients, who have been found to be carriers of the variant of interest also carried known pathogenic variants in cis and in trans. In addition variant was seen in apparently healthy individuals with severe mutation on the other chromosomes (Sosnay , 2013). In vivo/vitro functional studies showed that the Cl- conductance of CFTR channels formed by V754M CFTR protein is not impaired suggesting that the variant does not affect Cl- channel function of CFTR (Sosnay, 2013). In conclusion, while a mild detrimental effect p.Val754Met resulting in CF spectrum diseases could not be definitely ruled out, there are strong lines of evidence against a severe deleterious effect and its association with CF. Lastly, classify variant as NON-disease causing. Taking together, by applying ACMG guidelines the variant was classified as Benign.

PreventionGenetics, part of Exact Sciences
Classification: Likely benign. Review status: criteria provided, single submitter. Criteria: ACMG Guidelines, 2015. Collection method: clinical testing. Allele origin: germline.

Counsyl
Classification: Uncertain significance for Cystic fibrosis. Last evaluated: 2018-03-09. Review status: no assertion criteria provided. Collection method: clinical testing. Allele origin: unknown. Not counted in ClinVar's aggregate classification.

Clinical Genetics DNA and cytogenetics Diagnostics Lab, Erasmus MC, Erasmus Medical Center
Classification: Likely benign. Review status: no assertion criteria provided. Collection method: clinical testing. Allele origin: germline. Affected: yes. Study: VKGL Data-share Consensus. Not counted in ClinVar's aggregate classification.

NM_000492.4(CFTR):c.2260G>A (p.Val754Met)

Gene: CFTR (CF transmembrane conductance regulator; plus strand). Cytogenetic location: 7q31.2.
Variant type: single nucleotide variant.
Coding change: c.2260G>A on transcript NM_000492.4 (MANE Select); coding-DNA position 2260, G replaced by A.
Protein change: p.Val754Met; replaces valine 754 with methionine.
Molecular consequence: missense variant.
Genome position (GRCh38, 1-based): chr7:117,592,427, G>A. VCF-style: chr7-117592427-G-A. GRCh37 (hg19) VCF-style: chr7-117232481-G-A.
Other names: short protein forms V754M.
Identifiers: ClinVar variation 53465 (VCV000053465.62), dbSNP rs150157202, ClinGen allele CA326784.